The following is an entry in ClinVar:

NM_001844.5(COL2A1):c.3210del (p.Pro1073fs)

Gene: COL2A1 (collagen type II alpha 1 chain; minus strand). Cytogenetic location: 12q13.11.
Variant type: Deletion.
Coding change: c.3210del on transcript NM_001844.5 (MANE Select); coding-DNA position 3210, one base deleted (T; older notation c.3210delT).
Protein change: p.Pro1073fs; shifts the reading frame from proline 1073.
Molecular consequence: frameshift variant.
Genome position (GRCh38, 1-based): chr12:47,977,383, A deleted on the plus strand (T on the coding strand, the reverse complement: COL2A1 is on the minus strand). VCF-style (leftmost placement, unchanged base first): chr12-47977382-CA-C. GRCh37 (hg19) VCF-style: chr12-48371165-CA-C.
Other names: c.3003del, p.Pro1004fs (NM_033150.3); short protein forms P1004fs, P1073fs.
Identifiers: ClinVar variation 3651200 (VCV003651200.2).

ClinVar aggregate classification (germline): Pathogenic (1 of 4 stars; one submission).

Submission:

Labcorp Genetics (formerly Invitae), Labcorp
Classification: Pathogenic. Last evaluated: 2024-04-25. Review status: criteria provided, single submitter. Criteria: Invitae Variant Classification Sherloc (09022015). Collection method: clinical testing. Allele origin: germline.
Comment: This sequence change creates a premature translational stop signal (p.Pro1073Leufs*57) in the COL2A1 gene. It is expected to result in an absent or disrupted protein product. Loss-of-function variants in COL2A1 are known to be pathogenic (PMID: 20179744). This variant is not present in population databases (gnomAD no frequency). This variant has not been reported in the literature in individuals affected with COL2A1-related conditions. For these reasons, this variant has been classified as Pathogenic.

Literature cited by the submitters: PubMed 20179744.